The following is an entry in ClinVar:

ClinVar aggregate classification (germline): Uncertain significance (1 of 4 stars; one submission).

gnomAD v4.1: 30 of 1,613,620 alleles (0.0019%); highest among the groups gnomAD compares: South Asian, 0.031%; no homozygotes.

Submission:

Labcorp Genetics (formerly Invitae), Labcorp
Classification: Uncertain significance. Last evaluated: 2025-10-31. Review status: criteria provided, single submitter. Criteria: Invitae Variant Classification Sherloc (09022015). Collection method: clinical testing. Allele origin: germline.
Comment: This sequence change replaces glutamine, which is neutral and polar, with leucine, which is neutral and non-polar, at codon 188 of the CFHR5 protein (p.Gln188Leu). This variant is present in population databases (rs765820738, gnomAD 0.03%). This variant has not been reported in the literature in individuals affected with CFHR5-related conditions. Invitae Evidence Modeling of protein sequence and biophysical properties (such as structural, functional, and spatial information, amino acid conservation, physicochemical variation, residue mobility, and thermodynamic stability) has been performed for this missense variant. However, the output from this modeling did not meet the statistical confidence thresholds required to predict the impact of this variant on CFHR5 protein function. In summary, the available evidence is currently insufficient to determine the role of this variant in disease. Therefore, it has been classified as a Variant of Uncertain Significance.

NM_030787.4(CFHR5):c.563A>T (p.Gln188Leu)

Gene: CFHR5 (complement factor H related 5; plus strand). Cytogenetic location: 1q31.3.
Variant type: single nucleotide variant.
Coding change: c.563A>T on transcript NM_030787.4 (MANE Select); coding-DNA position 563, A replaced by T.
Protein change: p.Gln188Leu; replaces glutamine 188 with leucine.
Molecular consequence: missense variant.
Genome position (GRCh38, 1-based): chr1:196,994,212, A>T. VCF-style: chr1-196994212-A-T. GRCh37 (hg19) VCF-style: chr1-196963342-A-T.
Other names: short protein forms Q188L.
Identifiers: ClinVar variation 4703893 (VCV004703893.1).
Genomic context (GRCh38, chr1:196,994,212, plus strand): 5'-GAGACGTGTTGAAATTCTCCTGCAGAAAAAATCTTATAAGAGTTGGATCAGACTCAGTTC[A>T]ATGTTACCAATTTGGGTGGTCACCTAACTTTCCAACATGCAAAGGTCAGTATTTATTTTA-3'
Protein context (NP_110414.1, residues 178-198): NLIRVGSDSV[Gln188Leu]CYQFGWSPNF